The following is an entry in ClinVar:

ClinVar aggregate classification (germline): Pathogenic (1 of 4 stars; one submission).

Submission:

Labcorp Genetics (formerly Invitae), Labcorp
Classification: Pathogenic. Last evaluated: 2023-08-30. Review status: criteria provided, single submitter. Criteria: Invitae Variant Classification Sherloc (09022015). Collection method: clinical testing. Allele origin: germline.
Comment: This sequence change creates a premature translational stop signal (p.Phe246Ilefs*4) in the HSD11B2 gene. It is expected to result in an absent or disrupted protein product. Loss-of-function variants in HSD11B2 are known to be pathogenic (PMID: 12860834, 15134813, 17314322). This variant is present in population databases (no rsID available, gnomAD 0.003%). This variant has not been reported in the literature in individuals affected with HSD11B2-related conditions. For these reasons, this variant has been classified as Pathogenic.

Literature cited by the submitters: PubMed 12860834; PubMed 15134813; PubMed 17314322.

NM_000196.4(HSD11B2):c.735dup (p.Phe246fs)

Gene: HSD11B2 (hydroxysteroid 11-beta dehydrogenase 2; plus strand). Cytogenetic location: 16q22.1.
Variant type: Duplication.
Coding change: c.735dup on transcript NM_000196.4 (MANE Select); coding-DNA position 735, one base duplicated (A; older notation c.735dupA).
Protein change: p.Phe246fs; shifts the reading frame from phenylalanine 246.
Molecular consequence: frameshift variant.
Genome position (GRCh38, 1-based): chr16:67,436,319, A duplicated. VCF-style (leftmost placement, unchanged base first): chr16-67436318-C-CA. GRCh37 (hg19) VCF-style: chr16-67470221-C-CA.
Other names: short protein forms F246fs.
Identifiers: ClinVar variation 2789381 (VCV002789381.3), dbSNP rs1472555983, ClinGen allele CA623119599.
Genomic context (GRCh38, chr16:67,436,318, plus strand): 5'-CATATCCGTGCTTGGGGGCCTATGGAACCTCCAAAGCGGCCGTGGCGCTACTCATGGACA[C>CA]ATTCAGCTGTGAACTCCTTCCCTGGGGGGTCAAGGTCAGCATCATCCAGCCTGGCTGCTT-3'